The following is an entry in ClinVar:

ClinVar aggregate classification (germline): Uncertain significance (1 of 4 stars; one submission).

Submission:

Quest Diagnostics Nichols Institute San Juan Capistrano
Classification: Uncertain significance. Last evaluated: 2025-08-01. Review status: criteria provided, single submitter. Criteria: Quest Diagnostics criteria. Collection method: clinical testing. Allele origin: unknown.
Comment: The POT1 c.1885G>T (p.Val629Phe) variant has not been reported in individuals with POT1-related conditions in the published literature. This variant also has not been reported in large, multi-ethnic general populations (Genome Aggregation Database). Analysis of this variant using bioinformatics tools for the prediction of the effect of amino acid changes on protein structure and function yielded conflicting predictions that this variant is benign or damaging. Based on the available information, we are unable to determine the clinical significance of this variant.

NM_015450.3(POT1):c.1885G>T (p.Val629Phe)

Gene: POT1 (protection of telomeres 1; minus strand). Cytogenetic location: 7q31.33.
Variant type: single nucleotide variant.
Coding change: c.1885G>T on transcript NM_015450.3 (MANE Select); coding-DNA position 1885, G replaced by T.
Protein change: p.Val629Phe; replaces valine 629 with phenylalanine.
Molecular consequence: missense variant. On other transcripts: non-coding transcript variant (3).
Genome position (GRCh38, 1-based): chr7:124,823,982, C>A on the plus strand (G>T on the coding strand, the complement: POT1 is on the minus strand). VCF-style: chr7-124823982-C-A. GRCh37 (hg19) VCF-style: chr7-124464036-C-A.
Other names: c.1492G>T, p.Val498Phe (NM_001042594.2); short protein forms V498F, V629F.
Identifiers: ClinVar variation 4533114 (VCV004533114.1).
Genomic context (GRCh38, chr7:124,823,982, plus strand): 5'-GAGTGGCAACATTTTATGTATGCTAAATTGGATGGCAATATTAGATTACATCTTCTGCAA[C>A]TGTGGTGTCAAAAATCTGATAGCAAATTTGATTATCTGTTCCATTTGTGACATTGTATGA-3'
Protein context (NP_056265.2, residues 619-634): QICYQIFDTT[Val629Phe]AEDVI